The following is an entry in ClinVar:

ClinVar aggregate classification (germline): Uncertain significance (1 of 4 stars; one submission).

Conditions:
Asphyxiating thoracic dystrophy 5 (SRTD5). Also called: SHORT-RIB THORACIC DYSPLASIA 5 WITH OR WITHOUT POLYDACTYLY; SHORT-RIB THORACIC DYSPLASIA 5 WITHOUT POLYDACTYLY. Identifiers: Orphanet 474, MedGen C3280598, MONDO:0013717, OMIM 614376.
Senior-Loken syndrome 8 (SLSN8). Identifiers: Orphanet 3156, MedGen C4225376, MONDO:0014579, OMIM 616307.

Allele frequency attached by ClinVar (database versions not stated): gnomAD exomes below 0.00001 and 0.00001.
gnomAD v4.1: 4 of 1,613,652 alleles (0.00025%); highest among the groups gnomAD compares: East Asian, 0.0089%; no homozygotes.

Submission:

Labcorp Genetics (formerly Invitae), Labcorp
Classification: Uncertain significance for Senior-Loken syndrome 8; Asphyxiating thoracic dystrophy 5. Last evaluated: 2022-08-16. Review status: criteria provided, single submitter. Criteria: Invitae Variant Classification Sherloc (09022015). Collection method: clinical testing. Allele origin: germline.
Comment: This sequence change replaces asparagine, which is neutral and polar, with histidine, which is basic and polar, at codon 1322 of the WDR19 protein (p.Asn1322His). This variant is present in population databases (no rsID available, gnomAD 0.01%). This variant has not been reported in the literature in individuals affected with WDR19-related conditions. ClinVar contains an entry for this variant (Variation ID: 1488859). Algorithms developed to predict the effect of missense changes on protein structure and function (SIFT, PolyPhen-2, Align-GVGD) all suggest that this variant is likely to be tolerated. In summary, the available evidence is currently insufficient to determine the role of this variant in disease. Therefore, it has been classified as a Variant of Uncertain Significance.

NM_025132.4(WDR19):c.3964A>C (p.Asn1322His)

Gene: WDR19 (WD repeat domain 19; plus strand). Cytogenetic location: 4p14.
Variant type: single nucleotide variant.
Coding change: c.3964A>C on transcript NM_025132.4 (MANE Select); coding-DNA position 3964, A replaced by C.
Protein change: p.Asn1322His; replaces asparagine 1322 with histidine.
Molecular consequence: missense variant.
Genome position (GRCh38, 1-based): chr4:39,278,585, A>C. VCF-style: chr4-39278585-A-C. GRCh37 (hg19) VCF-style: chr4-39280205-A-C.
Other names: c.3484A>C, p.Asn1162His (NM_001317924.2); short protein forms N1162H, N1322H.
Identifiers: ClinVar variation 1488859 (VCV001488859.5), dbSNP rs1158060361, ClinGen allele CA356654301.